The following is an entry in ClinVar:

NM_001903.5(CTNNA1):c.1723G>T (p.Ala575Ser)

Gene: CTNNA1 (catenin alpha 1; plus strand). Cytogenetic location: 5q31.2.
Variant type: single nucleotide variant.
Coding change: c.1723G>T on transcript NM_001903.5 (MANE Select); coding-DNA position 1723, G replaced by T.
Protein change: p.Ala575Ser; replaces alanine 575 with serine.
Molecular consequence: missense variant.
Genome position (GRCh38, 1-based): chr5:138,924,686, G>T. VCF-style: chr5-138924686-G-T. GRCh37 (hg19) VCF-style: chr5-138260375-G-T.
Other names: c.1723G>T, p.Ala575Ser (NM_001290307.3, NM_001323982.2, NM_001323983.1 and 2 more transcripts); c.1414G>T, p.Ala472Ser (NM_001290309.3); c.1354G>T, p.Ala452Ser (NM_001290310.3); c.613G>T, p.Ala205Ser (NM_001290312.1, NM_001323987.1, NM_001323988.1 and 17 more transcripts); c.1630G>T, p.Ala544Ser (NM_001323986.2); c.274G>T, p.Ala92Ser (NM_001324006.1, NM_001324007.1, NM_001324008.1 and 2 more transcripts); c.520G>T, p.Ala174Ser (NM_001324011.1); c.370G>T, p.Ala124Ser (NM_001324012.1, NM_001324013.1); short protein forms A472S, A544S, A92S, A174S, A575S, A205S, A124S, A452S.
Identifiers: ClinVar variation 4746544 (VCV004746544.1).
Genomic context (GRCh38, chr5:138,924,686, plus strand): 5'-GTAGTCACCTCAGAGATGGACAACTATGAGCCAGGAGTCTACACAGAGAAGGTTCTGGAA[G>T]CCACTAAGCTGCTCTCCAACACAGGTACGGGAACTCTCCCTTTCCAGTGCTCGCACACAC-3'
Protein context (NP_001894.2, residues 565-585): PGVYTEKVLE[Ala575Ser]TKLLSNTVMP

ClinVar aggregate classification (germline): Uncertain significance (1 of 4 stars; one submission).

Submission:

Labcorp Genetics (formerly Invitae), Labcorp
Classification: Uncertain significance. Last evaluated: 2025-12-29. Review status: criteria provided, single submitter. Criteria: Invitae Variant Classification Sherloc (09022015). Collection method: clinical testing. Allele origin: germline.
Comment: This sequence change replaces alanine, which is neutral and non-polar, with serine, which is neutral and polar, at codon 575 of the CTNNA1 protein (p.Ala575Ser). This variant is not present in population databases (gnomAD no frequency). This variant has not been reported in the literature in individuals affected with CTNNA1-related conditions. Invitae Evidence Modeling of protein sequence and biophysical properties (such as structural, functional, and spatial information, amino acid conservation, physicochemical variation, residue mobility, and thermodynamic stability) indicates that this missense variant is not expected to disrupt CTNNA1 protein function with a negative predictive value of 80%. In summary, the available evidence is currently insufficient to determine the role of this variant in disease. Therefore, it has been classified as a Variant of Uncertain Significance.